The following is an entry in ClinVar:

ClinVar aggregate classification (germline): Uncertain significance (1 of 4 stars; one submission).

Conditions:
Hereditary cancer-predisposing syndrome. Also called: Hereditary Cancer Syndrome; Tumor predisposition; Hereditary neoplastic syndrome; Neoplastic Syndromes, Hereditary. Identifiers: Orphanet 140162, MedGen C0027672, MeSH D009386, MONDO:0015356.

Submission:

Labcorp Genetics (formerly Invitae), Labcorp
Classification: Uncertain significance for Hereditary cancer-predisposing syndrome. Last evaluated: 2020-10-06. Review status: criteria provided, single submitter. Criteria: Invitae Variant Classification Sherloc (09022015). Collection method: clinical testing. Allele origin: germline.
Comment: This sequence change replaces glutamic acid with lysine at codon 245 of the RAD50 protein (p.Glu245Lys). The glutamic acid residue is highly conserved and there is a small physicochemical difference between glutamic acid and lysine. This variant is not present in population databases (ExAC no frequency). This variant has not been reported in the literature in individuals with RAD50-related conditions. Algorithms developed to predict the effect of missense changes on protein structure and function (SIFT, PolyPhen-2, Align-GVGD) all suggest that this variant is likely to be tolerated, but these predictions have not been confirmed by published functional studies and their clinical significance is uncertain. In summary, the available evidence is currently insufficient to determine the role of this variant in disease. Therefore, it has been classified as a Variant of Uncertain Significance.

NM_005732.4(RAD50):c.733G>A (p.Glu245Lys)

Gene: RAD50 (RAD50 double strand break repair protein; plus strand). Cytogenetic location: 5q31.1.
Variant type: single nucleotide variant.
Coding change: c.733G>A on transcript NM_005732.4 (MANE Select); coding-DNA position 733, G replaced by A.
Protein change: p.Glu245Lys; replaces glutamic acid 245 with lysine.
Molecular consequence: missense variant.
Genome position (GRCh38, 1-based): chr5:132,580,043, G>A. VCF-style: chr5-132580043-G-A. GRCh37 (hg19) VCF-style: chr5-131915735-G-A.
Other names: short protein forms E245K.
Identifiers: ClinVar variation 1041820 (VCV001041820.9), dbSNP rs1750478981, ClinGen allele CA360937238.
Genomic context (GRCh38, chr5:132,580,043, plus strand): 5'-GATCAGATTACAAGTAAGGAAGCCCAGTTAACATCTTCAAAGGAAATTGTCAAATCCTAT[G>A]AGAATGAACTTGATCCATTGAAGGTAACTTGATTTTATTTTTAATTGACAAAAATTGTAT-3'
Protein context (NP_005723.2, residues 235-255): TSSKEIVKSY[Glu245Lys]NELDPLKNRL